The following is an entry in ClinVar:

NM_145064.3(STAC3):c.170G>T (p.Gly57Val)

Gene: STAC3 (SH3 and cysteine rich domain 3; minus strand). Cytogenetic location: 12q13.3.
Variant type: single nucleotide variant.
Coding change: c.170G>T on transcript NM_145064.3 (MANE Select); coding-DNA position 170, G replaced by T.
Protein change: p.Gly57Val; replaces glycine 57 with valine.
Molecular consequence: missense variant. On other transcripts: intron variant (1).
Genome position (GRCh38, 1-based): chr12:57,249,205, C>A on the plus strand (G>T on the coding strand, the complement: STAC3 is on the minus strand). VCF-style: chr12-57249205-C-A. GRCh37 (hg19) VCF-style: chr12-57642988-C-A.
Other names: c.53G>T, p.Gly18Val (NM_001286256.2); c.-126-1007G>T (NM_001286257.2); short protein forms G18V, G57V.
Identifiers: ClinVar variation 644215 (VCV000644215.9), dbSNP rs1027548586, ClinGen allele CA237760781.

ClinVar aggregate classification (germline): Uncertain significance (1 of 4 stars; one submission).

Conditions:
Bailey-Bloch congenital myopathy (CMYO13). Also called: Congenital myopathy 13; STAC3 disorder; Native American myopathy. Identifiers: Orphanet 168572, MedGen C1850625, MONDO:0009722, OMIM 255995.

Allele frequency attached by ClinVar (database versions not stated): gnomAD 0.00001.
gnomAD v4.1: 4 of 1,613,932 alleles (0.00025%); highest among the groups gnomAD compares: Admixed American, 0.005%; no homozygotes.

Submission:

Labcorp Genetics (formerly Invitae), Labcorp
Classification: Uncertain significance for Bailey-Bloch congenital myopathy. Last evaluated: 2023-08-14. Review status: criteria provided, single submitter. Criteria: Invitae Variant Classification Sherloc (09022015). Collection method: clinical testing. Allele origin: germline.
Comment: In summary, the available evidence is currently insufficient to determine the role of this variant in disease. Therefore, it has been classified as a Variant of Uncertain Significance. Advanced modeling of protein sequence and biophysical properties (such as structural, functional, and spatial information, amino acid conservation, physicochemical variation, residue mobility, and thermodynamic stability) performed at Invitae indicates that this missense variant is not expected to disrupt STAC3 protein function. ClinVar contains an entry for this variant (Variation ID: 644215). This variant has not been reported in the literature in individuals affected with STAC3-related conditions. This variant is not present in population databases (gnomAD no frequency). This sequence change replaces glycine, which is neutral and non-polar, with valine, which is neutral and non-polar, at codon 57 of the STAC3 protein (p.Gly57Val).